The following is an entry in ClinVar:

NM_000089.4(COL1A2):c.1505G>A (p.Gly502Asp)

Gene: COL1A2 (collagen type I alpha 2 chain; plus strand). Cytogenetic location: 7q21.3.
Variant type: single nucleotide variant.
Coding change: c.1505G>A on transcript NM_000089.4 (MANE Select); coding-DNA position 1505, G replaced by A.
Protein change: p.Gly502Asp; replaces glycine 502 with aspartic acid.
Molecular consequence: missense variant.
Genome position (GRCh38, 1-based): chr7:94,413,084, G>A. VCF-style: chr7-94413084-G-A. GRCh37 (hg19) VCF-style: chr7-94042396-G-A.
Other names: short protein forms G502D.
Identifiers: ClinVar variation 2951085 (VCV002951085.3), dbSNP rs2484714503, ClinGen allele CA368221990.

ClinVar aggregate classification (germline): Likely pathogenic (1 of 4 stars; one submission).

Conditions:
Osteogenesis imperfecta type I (OI1). Also called: Lobstein disease; OI, TYPE I; OSTEOGENESIS IMPERFECTA TARDA; OSTEOGENESIS IMPERFECTA WITH BLUE SCLERAE; Osteogenesis imperfecta type 1; Lobstein's Disease. Identifiers: Orphanet 216796, Orphanet 666, MedGen C0023931, MONDO:0008146, OMIM 166200. Disease mechanism: loss of function.
Ehlers-Danlos syndrome, classic type, 1 (EDSCL1). Also called: EDS I; EHLERS-DANLOS SYNDROME, GRAVIS TYPE; EHLERS-DANLOS SYNDROME, SEVERE CLASSIC TYPE; Ehlers-Danlos syndrome, type 1; Ehlers-Danlos Syndrome, Classic Type, COL5A1-Related. Identifiers: MedGen C0268335, MONDO:0019567, OMIM 130000.

Submission:

Labcorp Genetics (formerly Invitae), Labcorp
Classification: Likely pathogenic for Osteogenesis imperfecta type I; Ehlers-Danlos syndrome, classic type, 1. Last evaluated: 2023-08-17. Review status: criteria provided, single submitter. Criteria: Invitae Variant Classification Sherloc (09022015). Collection method: clinical testing. Allele origin: germline.
Comment: In summary, the currently available evidence indicates that the variant is pathogenic, but additional data are needed to prove that conclusively. Therefore, this variant has been classified as Likely Pathogenic. This variant disrupts the triple helix domain of COL1A2. Glycine residues within the Gly-Xaa-Yaa repeats of the triple helix domain are required for the structure and stability of fibrillar collagens (PMID: 7695699, 8218237, 19344236). In COL1A2, variants affecting these glycine residues are significantly enriched in individuals with disease (PMID: 9016532, 17078022) compared to the general population (ExAC). Experimental studies and prediction algorithms are not available or were not evaluated, and the functional significance of this variant is currently unknown. This variant has not been reported in the literature in individuals affected with COL1A2-related conditions. This variant is not present in population databases (gnomAD no frequency). This sequence change replaces glycine, which is neutral and non-polar, with aspartic acid, which is acidic and polar, at codon 502 of the COL1A2 protein (p.Gly502Asp).

Literature cited by the submitters: PubMed 7695699; PubMed 8218237; PubMed 19344236; PubMed 9016532; PubMed 17078022.